The following is an entry in ClinVar:

NM_000038.6(APC):c.2611G>A (p.Gly871Arg)

Gene: APC (APC regulator of Wnt signaling pathway; plus strand). Cytogenetic location: 5q22.2.
Variant type: single nucleotide variant.
Coding change: c.2611G>A on transcript NM_000038.6 (MANE Select); coding-DNA position 2611, G replaced by A.
Protein change: p.Gly871Arg; replaces glycine 871 with arginine.
Molecular consequence: missense variant.
Genome position (GRCh38, 1-based): chr5:112,838,205, G>A. VCF-style: chr5-112838205-G-A. GRCh37 (hg19) VCF-style: chr5-112173902-G-A.
Other names: c.2611G>A, p.Gly871Arg (NM_001127510.3, NM_001354895.2); c.2557G>A, p.Gly853Arg (NM_001127511.3); c.2665G>A, p.Gly889Arg (NM_001354896.2); c.2641G>A, p.Gly881Arg (NM_001354897.2); c.2536G>A, p.Gly846Arg (NM_001354898.2); c.2527G>A, p.Gly843Arg (NM_001354899.2); c.2488G>A, p.Gly830Arg (NM_001354900.2); c.2434G>A, p.Gly812Arg (NM_001354901.2); and 5 more; short protein forms G853R, G871R, G588R, G812R, G881R, G843R, G846R, G711R.
Identifiers: ClinVar variation 469760 (VCV000469760.14), dbSNP rs1554084297, ClinGen allele CA16027045.

ClinVar aggregate classification (germline): Uncertain significance. Review status: criteria provided, multiple submitters, no conflicts (2 of 4 stars). 2 submissions from 2 submitters: Uncertain significance (2). Last evaluated 2023-04-25.

Conditions:
Hereditary cancer-predisposing syndrome. Also called: Hereditary neoplastic syndrome; Neoplastic Syndromes, Hereditary; Tumor predisposition; Hereditary Cancer Syndrome. Identifiers: Orphanet 140162, MedGen C0027672, MeSH D009386, MONDO:0015356.
Familial adenomatous polyposis 1 (FAP1). Also called: POLYPOSIS, ADENOMATOUS INTESTINAL; FAMILIAL ADENOMATOUS POLYPOSIS 1, ATTENUATED. Identifiers: MedGen C2713442, MONDO:0021056, OMIM 175100. Disease mechanism: loss of function.

Allele frequency attached by ClinVar (database versions not stated): gnomAD exomes below 0.00001.
gnomAD v4.1: 1 of 1,614,018 alleles (0.000062%); highest among the groups gnomAD compares: Non-Finnish European, 0.000085%; no homozygotes.

Submissions (2):

Labcorp Genetics (formerly Invitae), Labcorp
Classification: Uncertain significance for Familial adenomatous polyposis 1. Last evaluated: 2023-04-25. Review status: criteria provided, single submitter. Criteria: Invitae Variant Classification Sherloc (09022015). Collection method: clinical testing. Allele origin: germline.
Comment: In summary, the available evidence is currently insufficient to determine the role of this variant in disease. Therefore, it has been classified as a Variant of Uncertain Significance. Advanced modeling of protein sequence and biophysical properties (such as structural, functional, and spatial information, amino acid conservation, physicochemical variation, residue mobility, and thermodynamic stability) performed at Invitae indicates that this missense variant is not expected to disrupt APC protein function. ClinVar contains an entry for this variant (Variation ID: 469760). This variant has not been reported in the literature in individuals affected with APC-related conditions. This variant is not present in population databases (gnomAD no frequency). This sequence change replaces glycine, which is neutral and non-polar, with arginine, which is basic and polar, at codon 871 of the APC protein (p.Gly871Arg).

Ambry Genetics
Classification: Uncertain significance for Hereditary cancer-predisposing syndrome. Last evaluated: 2021-08-24. Review status: criteria provided, single submitter. Criteria: Ambry Variant Classification Scheme 2023. Collection method: clinical testing. Allele origin: germline.
Comment: The p.G871R variant (also known as c.2611G>A), located in coding exon 15 of the APC gene, results from a G to A substitution at nucleotide position 2611. The glycine at codon 871 is replaced by arginine, an amino acid with dissimilar properties. This amino acid position is highly conserved in available vertebrate species. In addition, in silico predictors for this gene do not accurately predict pathogenicity. Since supporting evidence is limited at this time, the clinical significance of this alteration remains unclear.